The following is an entry in ClinVar:

ClinVar aggregate classification (germline): Pathogenic. Review status: criteria provided, multiple submitters, no conflicts (2 of 4 stars). 2 submissions from 2 submitters: Pathogenic (2). Last evaluated 2022-07-29.

Conditions:
Neurofibromatosis, type 1 (NF1). Also called: VON RECKLINGHAUSEN DISEASE; NEUROFIBROMATOSIS, TYPE I, SOMATIC; Peripheral type neurofibromatosis; Neurofibromatosis, type I. Identifiers: Orphanet 636, MedGen C0027831, MONDO:0018975, OMIM 162200. Disease mechanism: loss of function.

Submissions (2):

Labcorp Genetics (formerly Invitae), Labcorp
Classification: Pathogenic for Neurofibromatosis, type 1. Last evaluated: 2022-07-29. Review status: criteria provided, single submitter. Criteria: Invitae Variant Classification Sherloc (09022015). Collection method: clinical testing. Allele origin: germline.
Comment: This sequence change creates a premature translational stop signal (p.Tyr1587*) in the NF1 gene. It is expected to result in an absent or disrupted protein product. Loss-of-function variants in NF1 are known to be pathogenic (PMID: 10712197, 23913538). This variant is not present in population databases (gnomAD no frequency). This premature translational stop signal has been observed in individual(s) with Neurofibromatosis - type 1 (PMID: 16944272). ClinVar contains an entry for this variant (Variation ID: 620127). For these reasons, this variant has been classified as Pathogenic.

GeneDx
Classification: Pathogenic. Last evaluated: 2021-05-13. Review status: criteria provided, single submitter. Criteria: GeneDx Variant Classification Process June 2021. Collection method: clinical testing. Allele origin: germline. Affected: yes.
Comment: Nonsense variant predicted to result in protein truncation or nonsense mediated decay in a gene for which loss-of-function is a known mechanism of disease; Not observed in large population cohorts (Lek et al., 2016); This variant is associated with the following publications: (PMID: 25525159, 16944272)

Literature cited by the submitters: PubMed 10712197 (cited by Labcorp Genetics (formerly Invitae), Labcorp); PubMed 23913538 (cited by Labcorp Genetics (formerly Invitae), Labcorp); PubMed 16944272 (cited by Labcorp Genetics (formerly Invitae), Labcorp).

NM_001042492.3(NF1):c.4824T>A (p.Tyr1608Ter)

Gene: NF1 (neurofibromin 1; plus strand). Cytogenetic location: 17q11.2.
Variant type: single nucleotide variant.
Coding change: c.4824T>A on transcript NM_001042492.3 (MANE Select); coding-DNA position 4824, T replaced by A.
Protein change: p.Tyr1608Ter; replaces tyrosine 1608 with a stop codon.
Molecular consequence: nonsense.
Genome position (GRCh38, 1-based): chr17:31,265,328, T>A. VCF-style: chr17-31265328-T-A. GRCh37 (hg19) VCF-style: chr17-29592346-T-A.
Other names: c.4761T>A, p.Tyr1587Ter (NM_000267.4); short protein forms Y1587*, Y1608*.
Identifiers: ClinVar variation 620127 (VCV000620127.6), dbSNP rs1567865089, ClinGen allele CA399001372.